The following is an entry in ClinVar:

NM_013296.5(GPSM2):c.*455C>T

Genes: CLCC1 (chloride channel CLIC like 1; minus strand), GPSM2 (G protein signaling modulator 2; plus strand). Cytogenetic location: 1p13.3.
Variant type: single nucleotide variant.
Coding change: c.*455C>T on transcript NM_013296.5 (MANE Select); 455 bases downstream of the stop codon, C replaced by T.
Molecular consequence: 3 prime UTR variant. On other transcripts: non-coding transcript variant (1), intron variant (1).
Genome position (GRCh38, 1-based): chr1:108,930,395, C>T. VCF-style: chr1-108930395-C-T. GRCh37 (hg19) VCF-style: chr1-109473017-C-T.
Other names: c.*2152G>A (NM_001048210.3, NM_001278202.2, NM_001278203.1 and 10 more transcripts); c.*2157G>A (NM_001377459.1, NM_001377460.1, NM_001377462.1 and 1 more transcripts); c.*455C>T (NM_001321038.2); c.*35+420C>T (NM_001321039.3).
Identifiers: ClinVar variation 291714 (VCV000291714.6), dbSNP rs10607, ClinGen allele CA10607440.

ClinVar aggregate classification (germline): Benign. Review status: criteria provided, multiple submitters, no conflicts (2 of 4 stars). 2 submissions from 2 submitters: Benign (2). Last evaluated 2018-01-13.

Conditions:
Chudley-McCullough syndrome (CMCS). Also called: Deafness, autosomal recessive 82; DEAFNESS, SENSORINEURAL, WITH PARTIAL AGENESIS OF THE CORPUS CALLOSUM AND ARACHNOID CYSTS. Identifiers: Orphanet 314597, MedGen C1858695, MONDO:0011411, OMIM 604213.

Allele frequency attached by ClinVar (database versions not stated): gnomAD exomes 0.15434; 1000 Genomes Project 0.20707; 1000 Genomes Project 30x 0.21330; TOPMed 0.25562; gnomAD 0.26833 and 0.25727.
gnomAD v4.1: 39,198 of 153,066 alleles (26%); highest among the groups gnomAD compares: African/African-American, 41%; 5,936 homozygotes.

Submissions (2):

Illumina Laboratory Services, Illumina
Classification: Benign for Chudley-McCullough syndrome. Last evaluated: 2018-01-13. Review status: criteria provided, single submitter. Criteria: ICSL Variant Classification Criteria 13 December 2019. Collection method: clinical testing. Allele origin: germline.
Comment: This variant was observed in the ICSL laboratory as part of a predisposition screen in an ostensibly healthy population. It had not been previously curated by ICSL or reported in the Human Gene Mutation Database (HGMD: prior to June 1st, 2018), and was therefore a candidate for classification through an automated scoring system. Utilizing variant allele frequency, disease prevalence and penetrance estimates, and inheritance mode, an automated score was calculated to assess if this variant is too frequent to cause the disease. Based on the score and internal cut-off values, a variant classified as benign is not then subjected to further curation. The score for this variant resulted in a classification of benign for this disease.

Breakthrough Genomics
Classification: Benign. Review status: criteria provided, single submitter. Criteria: ACMG Guidelines, 2015. Collection method: not provided. Allele origin: germline. Inheritance: Autosomal recessive inheritance. Affected: yes.